The following is an entry in ClinVar:

NM_002528.7(NTHL1):c.767C>G (p.Ala256Gly)

Gene: NTHL1 (nth like DNA glycosylase 1; minus strand). Cytogenetic location: 16p13.3.
Variant type: single nucleotide variant.
Coding change: c.767C>G on transcript NM_002528.7 (MANE Select); coding-DNA position 767, C replaced by G.
Protein change: p.Ala256Gly; replaces alanine 256 with glycine.
Molecular consequence: missense variant.
Genome position (GRCh38, 1-based): chr16:2,040,157, G>C on the plus strand (C>G on the coding strand, the complement: NTHL1 is on the minus strand). VCF-style: chr16-2040157-G-C. GRCh37 (hg19) VCF-style: chr16-2090158-G-C.
Other names: c.596C>G, p.Ala199Gly (NM_001318193.2); c.437C>G, p.Ala146Gly (NM_001318194.2); short protein forms A146G, A256G, A199G.
Identifiers: ClinVar variation 3922242 (VCV003922242.1).
Genomic context (GRCh38, chr16:2,040,157, plus strand): 5'-GCTCTTCTCCCTAGGAAGCCCCCCACATACTCATACCTAGGCAGCCACTCCTCCAGGGCG[G>C]CGCGGGTCTCCTCTGGGGACTTGGTTGCCTTCTTGGTCCACCTCAGCCTGTTGGCGATTC-3'
Protein context (NP_002519.2, residues 246-266): KATKSPEETR[Ala256Gly]ALEEWLPREL

ClinVar aggregate classification (germline): Uncertain significance (1 of 4 stars; one submission).

Conditions:
Hereditary cancer-predisposing syndrome. Also called: Hereditary Cancer Syndrome; Hereditary neoplastic syndrome; Neoplastic Syndromes, Hereditary; Tumor predisposition. Identifiers: Orphanet 140162, MedGen C0027672, MeSH D009386, MONDO:0015356.

Submission:

Ambry Genetics
Classification: Uncertain significance for Hereditary cancer-predisposing syndrome. Last evaluated: 2025-03-17. Review status: criteria provided, single submitter. Criteria: Ambry Variant Classification Scheme 2023. Collection method: clinical testing. Allele origin: germline.
Comment: The p.A264G variant (also known as c.791C>G), located in coding exon 5 of the NTHL1 gene, results from a C to G substitution at nucleotide position 791. The alanine at codon 264 is replaced by glycine, an amino acid with similar properties. This amino acid position is conserved. In addition, this alteration is predicted to be tolerated by in silico analysis. Based on the available evidence, the clinical significance of this variant remains unclear.